The following is an entry in ClinVar:

NM_000388.4(CASR):c.2952G>T (p.Lys984Asn)

Gene: CASR (calcium sensing receptor; plus strand). Cytogenetic location: 3q21.1.
Variant type: single nucleotide variant.
Coding change: c.2952G>T on transcript NM_000388.4 (MANE Select); coding-DNA position 2952, G replaced by T.
Protein change: p.Lys984Asn; replaces lysine 984 with asparagine.
Molecular consequence: missense variant.
Genome position (GRCh38, 1-based): chr3:122,284,906, G>T. VCF-style: chr3-122284906-G-T. GRCh37 (hg19) VCF-style: chr3-122003753-G-T.
Other names: c.2982G>T, p.Lys994Asn (NM_001178065.2); short protein forms K994N, K984N.
Identifiers: ClinVar variation 1798075 (VCV001798075.2), dbSNP rs2107651573, ClinGen allele CA354161132.

ClinVar aggregate classification (germline): Uncertain significance (1 of 4 stars; one submission).

Conditions:
Nephrolithiasis/nephrocalcinosis. Identifiers: MedGen CN580796.

Submission:

Ambry Genetics
Classification: Uncertain significance for Nephrolithiasis/nephrocalcinosis. Last evaluated: 2022-06-14. Review status: criteria provided, single submitter. Criteria: Ambry Variant Classification Scheme 2023. Collection method: clinical testing. Allele origin: germline.
Comment: The p.K984N variant (also known as c.2952G>T), located in coding exon 6 of the CASR gene, results from a G to T substitution at nucleotide position 2952. The lysine at codon 984 is replaced by asparagine, an amino acid with similar properties. This amino acid position is conserved. In addition, this alteration is predicted to be tolerated by in silico analysis. Since supporting evidence is limited at this time, the clinical significance of this alteration remains unclear.